The following is an entry in ClinVar:

NM_032805.3(ZSCAN10):c.1464C>A (p.Arg488=)

Gene: ZSCAN10 (zinc finger and SCAN domain containing 10; minus strand). Cytogenetic location: 16p13.3.
Variant type: single nucleotide variant.
Coding change: c.1464C>A on transcript NM_032805.3 (MANE Select); coding-DNA position 1464, C replaced by A.
Protein change: p.Arg488=; no amino-acid change (arginine 488 retained).
Molecular consequence: synonymous variant.
Genome position (GRCh38, 1-based): chr16:3,089,970, G>T on the plus strand (C>A on the coding strand, the complement: ZSCAN10 is on the minus strand). VCF-style: chr16-3089970-G-T. GRCh37 (hg19) VCF-style: chr16-3139971-G-T.
Other names: c.282C>A, p.Arg94= (NM_001282415.2, NM_001365273.1); c.1053C>A, p.Arg351= (NM_001282416.2); c.918C>A, p.Arg306= (NM_001365272.1).
Identifiers: ClinVar variation 5039612 (VCV005039612.1).
Genomic context (GRCh38, chr16:3,089,970, plus strand): 5'-TTCGGAGGACCGGCGGTCCTTGTCCCTGGCGTGGATCCGCAGGTGGCGCTTGAGGCTGGA[G>T]CGGCGCTGGAAGCTCTGGCCGCAGTGGGAGCACAGGACATCGGTCAGTGGCGGCGCTTCG-3'
Protein context (NP_116194.2, residues 478-498): CSHCGQSFQR[Arg488=]SSLKRHLRIH

ClinVar aggregate classification (germline): Likely benign (1 of 4 stars; one submission).

gnomAD v4.1: 168 of 1,545,128 alleles (0.011%); highest among the groups gnomAD compares: East Asian, 0.32%; 2 homozygotes.

Submission:

CeGaT Center for Human Genetics Tuebingen
Classification: Likely benign. Last evaluated: 2026-07-01. Review status: criteria provided, single submitter. Criteria: CeGaT Center For Human Genetics Tuebingen Variant Classification Criteria Version 2. Collection method: clinical testing. Allele origin: germline. Affected: yes. Observed: 1 variant allele.
Comment: ZSCAN10: BP4, BP7